The following is an entry in ClinVar:

ClinVar aggregate classification (germline): Benign/Likely benign. Review status: criteria provided, multiple submitters, no conflicts (2 of 4 stars). 2 submissions from 2 submitters: Benign (1); Likely benign (1). Last evaluated 2024-09-09.

Conditions:
Fanconi anemia complementation group J. Also called: BRIP1-Related Fanconi Anemia. Identifiers: Orphanet 84, MedGen C1836860, MONDO:0012187, OMIM 609054.
Familial cancer of breast. Also called: hereditary breast carcinoma; BREAST CANCER, FAMILIAL; Hereditary breast cancer. Identifiers: Orphanet 227535, MedGen C0346153, MONDO:0016419, OMIM 114480. Disease mechanism: loss of function.

Submissions (2):

Myriad Genetics, Inc.
Classification: Benign for Familial cancer of breast. Last evaluated: 2024-09-09. Review status: criteria provided, single submitter. Criteria: Myriad Autosomal Dominant, Autosomal Recessive and X-Linked Classification Criteria (2023). Collection method: clinical testing. Allele origin: unknown.
Comment: This variant is considered benign. This variant is a silent/synonymous amino acid change and it is not expected to impact splicing.

Labcorp Genetics (formerly Invitae), Labcorp
Classification: Likely benign for Familial cancer of breast; Fanconi anemia complementation group J. Last evaluated: 2024-03-12. Review status: criteria provided, single submitter. Criteria: Invitae Variant Classification Sherloc (09022015). Collection method: clinical testing. Allele origin: germline.

NM_032043.3(BRIP1):c.3114A>T (p.Thr1038=)

Gene: BRIP1 (BRCA1 interacting DNA helicase 1; minus strand). Cytogenetic location: 17q23.2.
Variant type: single nucleotide variant.
Coding change: c.3114A>T on transcript NM_032043.3 (MANE Select); coding-DNA position 3114, A replaced by T.
Protein change: p.Thr1038=; no amino-acid change (threonine 1038 retained).
Molecular consequence: synonymous variant.
Genome position (GRCh38, 1-based): chr17:61,683,932, T>A on the plus strand (A>T on the coding strand, the complement: BRIP1 is on the minus strand). VCF-style: chr17-61683932-T-A. GRCh37 (hg19) VCF-style: chr17-59761293-T-A.
Identifiers: ClinVar variation 3379219 (VCV003379219.3).